The following is an entry in ClinVar:

ClinVar aggregate classification (germline): Uncertain significance. Review status: criteria provided, multiple submitters, no conflicts (2 of 4 stars). 2 submissions from 2 submitters: Uncertain significance (2). Last evaluated 2023-09-06.

Conditions:
Short-rib thoracic dysplasia 11 with or without polydactyly (SRTD11). Also called: SHORT-RIB THORACIC DYSPLASIA 11 WITHOUT POLYDACTYLY. Identifiers: Orphanet 474, Orphanet 93271, MedGen C3810200, MONDO:0014287, OMIM 615633.

Submissions (2):

ARUP Laboratories, Molecular Genetics and Genomics, ARUP Laboratories
Classification: Uncertain significance for Short-rib thoracic dysplasia 11 with or without polydactyly. Last evaluated: 2023-09-06. Review status: criteria provided, single submitter. Criteria: ARUP Molecular Germline Variant Investigation Process 2024. Collection method: clinical testing. Allele origin: germline.

Labcorp Genetics (formerly Invitae), Labcorp
Classification: Uncertain significance for Short-rib thoracic dysplasia 11 with or without polydactyly. Last evaluated: 2022-08-16. Review status: criteria provided, single submitter. Criteria: Invitae Variant Classification Sherloc (09022015). Collection method: clinical testing. Allele origin: germline.
Comment: In summary, the available evidence is currently insufficient to determine the role of this variant in disease. Therefore, it has been classified as a Variant of Uncertain Significance. Algorithms developed to predict the effect of missense changes on protein structure and function (SIFT, PolyPhen-2, Align-GVGD) all suggest that this variant is likely to be tolerated. ClinVar contains an entry for this variant (Variation ID: 1058176). This variant has not been reported in the literature in individuals affected with WDR34-related conditions. This variant is not present in population databases (gnomAD no frequency). This sequence change replaces proline, which is neutral and non-polar, with leucine, which is neutral and non-polar, at codon 99 of the WDR34 protein (p.Pro99Leu).

NM_052844.4(DYNC2I2):c.296C>T (p.Pro99Leu)

Gene: DYNC2I2 (dynein 2 intermediate chain 2; minus strand). Cytogenetic location: 9q34.11.
Variant type: single nucleotide variant.
Coding change: c.296C>T on transcript NM_052844.4 (MANE Select); coding-DNA position 296, C replaced by T.
Protein change: p.Pro99Leu; replaces proline 99 with leucine.
Molecular consequence: missense variant.
Genome position (GRCh38, 1-based): chr9:128,640,830, G>A on the plus strand (C>T on the coding strand, the complement: DYNC2I2 is on the minus strand). VCF-style: chr9-128640830-G-A. GRCh37 (hg19) VCF-style: chr9-131403109-G-A.
Other names: short protein forms P99L.
Identifiers: ClinVar variation 1058176 (VCV001058176.10), dbSNP rs2132156076, ClinGen allele CA375127503.